The following is an entry in ClinVar:

ClinVar aggregate classification (germline): Benign. Review status: criteria provided, multiple submitters, no conflicts (2 of 4 stars). 4 submissions from 4 submitters: Benign (4). Last evaluated 2026-02-03.

Conditions:
Knobloch syndrome (KNO). Also called: RETINAL DETACHMENT AND OCCIPITAL ENCEPHALOCELE; Myopia retinal detachment encephalocele. Identifiers: Orphanet 1571, MedGen C1849409, MONDO:0800166.

Allele frequency attached by ClinVar (database versions not stated): gnomAD exomes 0.00083 and 0.00230; ExAC 0.00276; gnomAD 0.00859 and 0.00930; ESP Exome Variant Server 0.00956; TOPMed 0.00989; 1000 Genomes Project 0.01038; 1000 Genomes Project 30x 0.01109.
gnomAD v4.1: 2,573 of 1,610,176 alleles (0.16%); highest among the groups gnomAD compares: African/African-American, 3%; 34 homozygotes.

Submissions (4):

Labcorp Genetics (formerly Invitae), Labcorp
Classification: Benign. Last evaluated: 2026-02-03. Review status: criteria provided, single submitter. Criteria: Invitae Variant Classification Sherloc (09022015). Collection method: clinical testing. Allele origin: germline.

Illumina Laboratory Services, Illumina
Classification: Benign for Knobloch syndrome 1. Last evaluated: 2018-01-13. Review status: criteria provided, single submitter. Criteria: ICSL Variant Classification Criteria 13 December 2019. Collection method: clinical testing. Allele origin: germline.
Comment: This variant was observed in the ICSL laboratory as part of a predisposition screen in an ostensibly healthy population. It had not been previously curated by ICSL or reported in the Human Gene Mutation Database (HGMD: prior to June 1st, 2018), and was therefore a candidate for classification through an automated scoring system. Utilizing variant allele frequency, disease prevalence and penetrance estimates, and inheritance mode, an automated score was calculated to assess if this variant is too frequent to cause the disease. Based on the score and internal cut-off values, a variant classified as benign is not then subjected to further curation. The score for this variant resulted in a classification of benign for this disease.

Breakthrough Genomics
Classification: Benign. Review status: criteria provided, single submitter. Criteria: ACMG Guidelines, 2015. Collection method: not provided. Allele origin: germline. Inheritance: Autosomal recessive inheritance. Affected: yes.

PreventionGenetics, part of Exact Sciences
Classification: Benign. Review status: criteria provided, single submitter. Criteria: ACMG Guidelines, 2015. Collection method: clinical testing. Allele origin: germline.

NM_001379500.1(COL18A1):c.2196G>A (p.Pro732=)

Gene: COL18A1 (collagen type XVIII alpha 1 chain; plus strand). Cytogenetic location: 21q22.3.
Variant type: single nucleotide variant.
Coding change: c.2196G>A on transcript NM_001379500.1 (MANE Select); coding-DNA position 2196, G replaced by A.
Protein change: p.Pro732=; no amino-acid change (proline 732 retained).
Molecular consequence: synonymous variant.
Genome position (GRCh38, 1-based): chr21:45,492,695, G>A. VCF-style: chr21-45492695-G-A. GRCh37 (hg19) VCF-style: chr21-46912609-G-A.
Other names: NM_130445.2:c.2196G>A; c.2736G>A, p.Pro912= (NM_030582.4); c.3441G>A, p.Pro1147= (NM_130444.3).
Identifiers: ClinVar variation 261899 (VCV000261899.15), dbSNP rs115470104, ClinGen allele CA10066916.